The following is an entry in ClinVar:

NM_004560.4(ROR2):c.458G>A (p.Arg153Gln)

Gene: ROR2 (receptor tyrosine kinase like orphan receptor 2; minus strand). Cytogenetic location: 9q22.31.
Variant type: single nucleotide variant.
Coding change: c.458G>A on transcript NM_004560.4 (MANE Select); coding-DNA position 458, G replaced by A.
Protein change: p.Arg153Gln; replaces arginine 153 with glutamine.
Molecular consequence: missense variant.
Genome position (GRCh38, 1-based): chr9:91,757,277, C>T on the plus strand (G>A on the coding strand, the complement: ROR2 is on the minus strand). VCF-style: chr9-91757277-C-T. GRCh37 (hg19) VCF-style: chr9-94519559-C-T.
Other names: c.458G>A, p.Arg153Gln (NM_001318204.2); short protein forms R153Q.
Identifiers: ClinVar variation 4693441 (VCV004693441.1).

ClinVar aggregate classification (germline): Uncertain significance (1 of 4 stars; one submission).

gnomAD v4.1: 2 of 1,613,964 alleles (0.00012%); highest among the groups gnomAD compares: Admixed American, 0.0033%; no homozygotes.

Submission:

Labcorp Genetics (formerly Invitae), Labcorp
Classification: Uncertain significance. Last evaluated: 2025-11-17. Review status: criteria provided, single submitter. Criteria: Invitae Variant Classification Sherloc (09022015). Collection method: clinical testing. Allele origin: germline.
Comment: This sequence change replaces arginine, which is basic and polar, with glutamine, which is neutral and polar, at codon 153 of the ROR2 protein (p.Arg153Gln). This variant is present in population databases (no rsID available, gnomAD 0.003%). This variant has not been reported in the literature in individuals affected with ROR2-related conditions. Invitae Evidence Modeling of protein sequence and biophysical properties (such as structural, functional, and spatial information, amino acid conservation, physicochemical variation, residue mobility, and thermodynamic stability) indicates that this missense variant is not expected to disrupt ROR2 protein function with a negative predictive value of 80%. In summary, the available evidence is currently insufficient to determine the role of this variant in disease. Therefore, it has been classified as a Variant of Uncertain Significance.